The following is an entry in ClinVar:

ClinVar aggregate classification (germline): Uncertain significance. Review status: criteria provided, multiple submitters, no conflicts (2 of 4 stars). 4 submissions from 4 submitters: Uncertain significance (4). Last evaluated 2022-05-10.

Conditions:
Cohen syndrome (COH1). Also called: PEPPER SYNDROME; Cutis verticis gyrata, retinitis pigmentosa, and sensorineural deafness. Identifiers: Orphanet 193, MedGen C0265223, MONDO:0008999, OMIM 216550.

Allele frequency attached by ClinVar (database versions not stated): gnomAD 0.00001; TOPMed 0.00001.
gnomAD v4.1: 12 of 1,607,830 alleles (0.00075%); highest among the groups gnomAD compares: Non-Finnish European, 0.001%; no homozygotes.

Submissions (4):

Labcorp Genetics (formerly Invitae), Labcorp
Classification: Uncertain significance for Cohen syndrome. Last evaluated: 2022-05-10. Review status: criteria provided, single submitter. Criteria: Invitae Variant Classification Sherloc (09022015). Collection method: clinical testing. Allele origin: germline.
Comment: This sequence change replaces proline, which is neutral and non-polar, with histidine, which is basic and polar, at codon 1221 of the VPS13B protein (p.Pro1221His). This variant is present in population databases (rs757707584, gnomAD 0.002%). This variant has not been reported in the literature in individuals affected with VPS13B-related conditions. ClinVar contains an entry for this variant (Variation ID: 444761). Algorithms developed to predict the effect of missense changes on protein structure and function are either unavailable or do not agree on the potential impact of this missense change (SIFT: "Not Available"; PolyPhen-2: "Probably Damaging"; Align-GVGD: "Not Available"). In summary, the available evidence is currently insufficient to determine the role of this variant in disease. Therefore, it has been classified as a Variant of Uncertain Significance.

Genetic Services Laboratory, University of Chicago
Classification: Uncertain significance. Last evaluated: 2018-11-16. Review status: criteria provided, single submitter. Criteria: ACMG Guidelines, 2015. Collection method: clinical testing. Allele origin: germline. Affected: no.

Blueprint Genetics
Classification: Uncertain significance. Last evaluated: 2018-06-21. Review status: criteria provided, single submitter. Criteria: ACMG Guidelines, 2015. Collection method: clinical testing. Allele origin: germline.

CeGaT Center for Human Genetics Tuebingen
Classification: Uncertain significance. Last evaluated: 2017-02-01. Review status: criteria provided, single submitter. Criteria: CeGaT Center For Human Genetics Tuebingen Variant Classification Criteria Version 2. Collection method: clinical testing. Allele origin: germline. Affected: yes. Observed: 1 variant allele.

NM_152564.5(VPS13B):c.3662C>A (p.Pro1221His)

Gene: VPS13B (vacuolar protein sorting 13 homolog B; plus strand). Cytogenetic location: 8q22.2.
Variant type: single nucleotide variant.
Coding change: c.3662C>A on transcript NM_152564.5 (MANE Select); coding-DNA position 3662, C replaced by A.
Protein change: p.Pro1221His; replaces proline 1221 with histidine.
Molecular consequence: missense variant.
Genome position (GRCh38, 1-based): chr8:99,467,630, C>A. VCF-style: chr8-99467630-C-A. GRCh37 (hg19) VCF-style: chr8-100479858-C-A.
Other names: c.3662C>A, p.Pro1221His (NM_017890.5); short protein forms P1221H.
Identifiers: ClinVar variation 444761 (VCV000444761.48), dbSNP rs757707584, ClinGen allele CA4823295.